The following is an entry in ClinVar:

NM_007294.4(BRCA1):c.1131C>G (p.Ser377Arg)

Gene: BRCA1 (BRCA1 DNA repair associated; minus strand). Cytogenetic location: 17q21.31.
Variant type: single nucleotide variant.
Coding change: c.1131C>G on transcript NM_007294.4 (MANE Select); coding-DNA position 1131, C replaced by G.
Protein change: p.Ser377Arg; replaces serine 377 with arginine.
Molecular consequence: missense variant. On other transcripts: intron variant (137).
Genome position (GRCh38, 1-based): chr17:43,094,400, G>C on the plus strand (C>G on the coding strand, the complement: BRCA1 is on the minus strand). VCF-style: chr17-43094400-G-C. GRCh37 (hg19) VCF-style: chr17-41246417-G-C.
Other names: c.1131C>G, p.Ser377Arg (NM_001407597.1, NM_001407598.1, NM_001407602.1 and 30 more transcripts); c.1128C>G, p.Ser376Arg (NM_001407610.1, NM_001407611.1, NM_001407612.1 and 22 more transcripts); c.1122C>G, p.Ser374Arg (NM_001407646.1, NM_001407647.1); c.1008C>G, p.Ser336Arg (NM_001407648.1, NM_001407665.1, NM_001407666.1 and 19 more transcripts); c.1005C>G, p.Ser335Arg (NM_001407649.1, NM_001407670.1, NM_001407671.1 and 11 more transcripts); c.1053C>G, p.Ser351Arg (NM_001407653.1, NM_001407654.1, NM_001407655.1 and 4 more transcripts); c.990C>G, p.Ser330Arg (NM_001407692.1, NM_001407694.1, NM_001407729.1 and 29 more transcripts); c.987C>G, p.Ser329Arg (NM_001407748.1, NM_001407749.1, NM_001407838.1 and 20 more transcripts); and 40 more; short protein forms S377R, S330R, S250R, S289R, S309R, S310R, S374R, S265R.
Identifiers: ClinVar variation 489706 (VCV000489706.22), dbSNP rs786203434, ClinGen allele CA10599795.
Genomic context (GRCh38, chr17:43,094,400, plus strand): 5'-GTCATCAGAACCTAACAGTTCATCACTTCTGGAAAACCACTCATTAACTTTCTGAATGCT[G>C]CTATTTAGTGTTATCCAAGGAACATCTTCAGTATCTCTAGGATTCTCTGAGCATGGCAGT-3'
Protein context (NP_009225.1, residues 367-387): TEDVPWITLN[Ser377Arg]SIQKVNEWFS

ClinVar aggregate classification (germline): Conflicting classifications of pathogenicity. Review status: criteria provided, conflicting classifications (1 of 4 stars). 5 submissions from 5 submitters: Uncertain significance (4); Likely benign (1). Last evaluated 2026-02-03.

Conditions:
Hereditary breast ovarian cancer syndrome. Also called: Hereditary breast and/or ovarian cancer syndrome; Hereditary breast and ovarian cancer syndrome; Hereditary breast and ovarian cancer; Hereditary breast and ovarian cancer syndrome (HBOC); Breast and ovarian cancer; BRCA1- and BRCA2-Associated Hereditary Breast and Ovarian Cancer. Identifiers: Orphanet 145, MedGen C0677776, MeSH D061325, MONDO:0003582. Disease mechanism: loss of function.
BRCA1-related cancer predisposition. Identifiers: MedGen CN377757, MONDO:0700268.
Hereditary cancer-predisposing syndrome. Also called: Tumor predisposition; Hereditary Cancer Syndrome; Neoplastic Syndromes, Hereditary; Hereditary neoplastic syndrome. Identifiers: Orphanet 140162, MedGen C0027672, MeSH D009386, MONDO:0015356.

gnomAD v4.1: 4 of 1,614,004 alleles (0.00025%); highest among the groups gnomAD compares: East Asian, 0.0022%; no homozygotes.

Submissions (5):

Ambry Genetics
Classification: Uncertain significance for Hereditary cancer-predisposing syndrome. Last evaluated: 2026-02-03. Review status: criteria provided, single submitter. Criteria: Ambry Variant Classification Scheme 2023. Collection method: clinical testing. Allele origin: germline.
Comment: The p.S377R variant (also known as c.1131C>G), located in coding exon 9 of the BRCA1 gene, results from a C to G substitution at nucleotide position 1131. The serine at codon 377 is replaced by arginine, an amino acid with dissimilar properties. This amino acid position is well conserved in available vertebrate species. In addition, this alteration is predicted to be deleterious by in silico analysis. Based on the available evidence, the clinical significance of this variant remains unclear.

Labcorp Genetics (formerly Invitae), Labcorp
Classification: Uncertain significance for Hereditary breast ovarian cancer syndrome. Last evaluated: 2024-07-29. Review status: criteria provided, single submitter. Criteria: Invitae Variant Classification Sherloc (09022015). Collection method: clinical testing. Allele origin: germline.
Comment: This sequence change replaces serine, which is neutral and polar, with arginine, which is basic and polar, at codon 377 of the BRCA1 protein (p.Ser377Arg). This variant is present in population databases (no rsID available, gnomAD 0.007%). This variant has not been reported in the literature in individuals affected with BRCA1-related conditions. ClinVar contains an entry for this variant (Variation ID: 489706). Advanced modeling of protein sequence and biophysical properties (such as structural, functional, and spatial information, amino acid conservation, physicochemical variation, residue mobility, and thermodynamic stability) performed at Invitae indicates that this missense variant is not expected to disrupt BRCA1 protein function with a negative predictive value of 95%. In summary, the available evidence is currently insufficient to determine the role of this variant in disease. Therefore, it has been classified as a Variant of Uncertain Significance.

All of Us Research Program, National Institutes of Health
Classification: Uncertain significance for BRCA1-related cancer predisposition. Last evaluated: 2024-05-14. Review status: criteria provided, single submitter. Criteria: ACMG Guidelines, 2015. Collection method: clinical testing. Allele origin: germline. Inheritance: Autosomal dominant inheritance. Observed: 2 variant alleles, 2 heterozygotes.
Comment: This missense variant replaces serine with arginine at codon 377 of the BRCA1 protein. Computational prediction suggests that this variant may have deleterious impact on protein structure and function (internally defined REVEL score threshold >= 0.7, PMID: 27666373). To our knowledge, functional studies have not been reported for this variant. This variant has been detected in a breast cancer case-control meta-analysis in 1/60466 cases and 1/53461 unaffected individuals (PMID: 33471991; Leiden Open Variation Database DB-ID BRCA1_006531). This variant has been identified in 1/31402 chromosomes in the general population by the Genome Aggregation Database (gnomAD). The available evidence is insufficient to determine the role of this variant in disease conclusively. Therefore, this variant is classified as a Variant of Uncertain Significance.

This study involves interpretation of variants in research participants for the purpose of population health screening. Participant phenotype was not available at the time of variant classification. Additional details can be found in publication PMID: 35346344, PMCID: PMC8962531

Color Diagnostics, LLC DBA Color Health
Classification: Uncertain significance for Hereditary cancer-predisposing syndrome. Last evaluated: 2024-04-25. Review status: criteria provided, single submitter. Criteria: ACMG Guidelines, 2015. Collection method: clinical testing. Allele origin: germline.
Comment: This missense variant replaces serine with arginine at codon 377 of the BRCA1 protein. Computational prediction suggests that this variant may have deleterious impact on protein structure and function. To our knowledge, functional studies have not been reported for this variant. This variant has been detected in a breast cancer case-control meta-analysis in 1/60466 cases and 1/53461 unaffected individuals (PMID: 33471991; Leiden Open Variation Database DB-ID BRCA1_006531). This variant has been identified in 1/31402 chromosomes in the general population by the Genome Aggregation Database (gnomAD). The available evidence is insufficient to determine the role of this variant in disease conclusively. Therefore, this variant is classified as a Variant of Uncertain Significance.

University of Washington Department of Laboratory Medicine, University of Washington
Classification: Likely benign for Hereditary cancer-predisposing syndrome. Last evaluated: 2023-03-23. Review status: criteria provided, single submitter. Criteria: Dines et al. (Genet Med. 2020). Collection method: curation. Allele origin: germline.
Comment: Missense variant in a coldspot region where missense variants are very unlikely to be pathogenic (PMID:31911673).

BRCA1 coldspot (exon 11 using historical exon numbering). Reclassification based on statistical prior probability

Literature cited by the submitters: PubMed 33471991 (cited by All of Us Research Program, National Institutes of Health and Color Diagnostics, LLC DBA Color Health).